The following is an entry in ClinVar:

NM_000090.4(COL3A1):c.2241C>A (p.Gly747=)

Gene: COL3A1 (collagen type III alpha 1 chain; plus strand). Cytogenetic location: 2q32.2.
Variant type: single nucleotide variant.
Coding change: c.2241C>A on transcript NM_000090.4 (MANE Select); coding-DNA position 2241, C replaced by A.
Protein change: p.Gly747=; no amino-acid change (glycine 747 retained).
Molecular consequence: synonymous variant.
Genome position (GRCh38, 1-based): chr2:188,999,853, C>A. VCF-style: chr2-188999853-C-A. GRCh37 (hg19) VCF-style: chr2-189864579-C-A.
Identifiers: ClinVar variation 3069806 (VCV003069806.1), dbSNP rs745440847, ClinGen allele CA430310764.

ClinVar aggregate classification (germline): Likely benign (1 of 4 stars; one submission).

Conditions:
Ehlers-Danlos syndrome, type 4 (EDSVASC). Also called: Ehlers-Danlos Syndrome Type IV; Ehlers-Danlos syndrome vascular type; Ehlers Danlos syndrome, ecchymotic type; Ehlers Danlos syndrome, arterial type; Ehlers Danlos syndrome, Sack-Barabas type. Identifiers: Orphanet 286, MedGen C0268338, MONDO:0017314, OMIM 130050.

gnomAD v4.1: 2 of 1,596,274 alleles (0.00013%); highest among the groups gnomAD compares: East Asian, 0.0023%; no homozygotes.

Submission:

All of Us Research Program, National Institutes of Health
Classification: Likely benign for Ehlers-Danlos syndrome, type 4. Last evaluated: 2023-11-30. Review status: criteria provided, single submitter. Criteria: ACMG Guidelines, 2015. Collection method: clinical testing. Allele origin: germline. Inheritance: Autosomal dominant inheritance. Observed: 2 variant alleles, 2 heterozygotes.
Comment: This study involves interpretation of variants in research participants for the purpose of population health screening. Participant phenotype was not available at the time of variant classification. Additional details can be found in publication PMID: 35346344, PMCID: PMC8962531